The following is an entry in ClinVar:

ClinVar aggregate classification (germline): Likely benign. Review status: criteria provided, multiple submitters, no conflicts (2 of 4 stars). 3 submissions from 3 submitters: Likely benign (3). Last evaluated 2025-04-17.

Conditions:
Epilepsy, progressive myoclonic, 1B. Also called: PME. Identifiers: Orphanet 308, MedGen C2676254, MONDO:0012904, OMIM 612437.

Allele frequency attached by ClinVar (database versions not stated): TOPMed 0.00001; gnomAD exomes below 0.00001; gnomAD 0.00001.
gnomAD v4.1: 8 of 1,614,090 alleles (0.0005%); highest among the groups gnomAD compares: East Asian, 0.0022%; no homozygotes.

Submissions (3):

Labcorp Genetics (formerly Invitae), Labcorp
Classification: Likely benign for Epilepsy, progressive myoclonic, 1B. Last evaluated: 2025-04-17. Review status: criteria provided, single submitter. Criteria: Invitae Variant Classification Sherloc (09022015). Collection method: clinical testing. Allele origin: germline.

CeGaT Center for Human Genetics Tuebingen
Classification: Likely benign. Last evaluated: 2023-03-01. Review status: criteria provided, single submitter. Criteria: CeGaT Center For Human Genetics Tuebingen Variant Classification Criteria Version 2. Collection method: clinical testing. Allele origin: germline. Affected: yes. Observed: 1 variant allele.
Comment: PRICKLE1: BP4, BP7

GeneDx
Classification: Likely benign. Last evaluated: 2017-06-02. Review status: criteria provided, single submitter. Criteria: GeneDx Variant Classification (06012015). Collection method: clinical testing. Allele origin: germline. Affected: yes.
Comment: This variant is considered likely benign or benign based on one or more of the following criteria: it is a conservative change, it occurs at a poorly conserved position in the protein, it is predicted to be benign by multiple in silico algorithms, and/or has population frequency not consistent with disease.

NM_153026.3(PRICKLE1):c.2178G>A (p.Gln726=)

Gene: PRICKLE1 (prickle planar cell polarity protein 1; minus strand). Cytogenetic location: 12q12.
Variant type: single nucleotide variant.
Coding change: c.2178G>A on transcript NM_153026.3 (MANE Select); coding-DNA position 2178, G replaced by A.
Protein change: p.Gln726=; no amino-acid change (glutamine 726 retained).
Molecular consequence: synonymous variant.
Genome position (GRCh38, 1-based): chr12:42,460,127, C>T on the plus strand (G>A on the coding strand, the complement: PRICKLE1 is on the minus strand). VCF-style: chr12-42460127-C-T. GRCh37 (hg19) VCF-style: chr12-42853929-C-T.
Other names: c.2178G>A, p.Gln726= (NM_001144881.2, NM_001144882.2, NM_001144883.2).
Identifiers: ClinVar variation 509825 (VCV000509825.35), dbSNP rs1332245067, ClinGen allele CA479392770.